The following is an entry in ClinVar:

NC_000004.12:g.83284884T>C

Genes: COQ2 (coenzyme Q2, polyprenyltransferase; minus strand), LOC112997540 (Sharpr-MPRA regulatory region 13773; plus strand). Cytogenetic location: 4q21.23.
Variant type: single nucleotide variant.
Molecular consequence: missense variant (on NM_015697.9).
Genome position: GRCh38 VCF-style: chr4-83284884-T-C. GRCh37 (hg19) VCF-style: chr4-84206037-T-C.
Other names: c.31A>G, p.Lys11Glu (NM_015697.9); short protein forms K11E.
Identifiers: ClinVar variation 1900266 (VCV001900266.4), dbSNP rs1243174150, ClinGen allele CA357231626.

ClinVar aggregate classification (germline): Uncertain significance (1 of 4 stars; one submission).

Allele frequency attached by ClinVar (database versions not stated): TOPMed 0.00001; gnomAD 0.00001.
gnomAD v4.1: 1 of 1,523,916 alleles (0.000066%); highest among the groups gnomAD compares: African/African-American, 0.0014%; no homozygotes.

Submission:

Labcorp Genetics (formerly Invitae), Labcorp
Classification: Uncertain significance. Last evaluated: 2023-08-09. Review status: criteria provided, single submitter. Criteria: Invitae Variant Classification Sherloc (09022015). Collection method: clinical testing. Allele origin: germline.
Comment: In summary, the available evidence is currently insufficient to determine the role of this variant in disease. Therefore, it has been classified as a Variant of Uncertain Significance. An algorithm developed to predict the effect of missense changes on protein structure and function (PolyPhen-2) suggests that this variant is likely to be disruptive. ClinVar contains an entry for this variant (Variation ID: 1900266). This variant has not been reported in the literature in individuals affected with COQ2-related conditions. This variant is not present in population databases (gnomAD no frequency). This sequence change replaces lysine, which is basic and polar, with glutamic acid, which is acidic and polar, at codon 11 of the COQ2 protein (p.Lys11Glu).